The following is an entry in ClinVar:

ClinVar aggregate classification (germline): Benign/Likely benign. Review status: criteria provided, multiple submitters, no conflicts (2 of 4 stars). 16 submissions from 16 submitters: Benign (9); Likely benign (4). 3 of the submissions do not count toward it. Last evaluated 2026-09-01.

Conditions:
Inborn genetic diseases. Identifiers: MedGen C0950123, MeSH D030342.
Hypogonadotropic hypogonadism 5 with or without anosmia (KAL5). Also called: CHD7-Related GnRH Deficiency (Kallmann Syndrome 5); HYPOGONADOTROPIC HYPOGONADISM 5 WITH ANOSMIA; HYPOGONADOTROPHIC HYPOGONADISM 5 WITHOUT ANOSMIA. Identifiers: Orphanet 478, MedGen C3552553, MONDO:0012880, OMIM 612370. Disease mechanism: loss of function.
CHARGE syndrome (CHARGE). Also called: CHARGE ASSOCIATION--COLOBOMA, HEART ANOMALY, CHOANAL ATRESIA, RETARDATION, GENITAL AND EAR ANOMALIES; Hittner Hirsch Kreh syndrome; Coloboma, heart anomaly, choanal atresia, retardation, genital and ear anomalies; CHARGE association; Hall-Hittner syndrome. Identifiers: Orphanet 138, MedGen C0265354, MONDO:0008965.

Allele frequency attached by ClinVar (database versions not stated): gnomAD 0.00354; TOPMed 0.00477; gnomAD exomes 0.00688 and 0.00436; ExAC 0.00442; 1000 Genomes Project 0.00200; 1000 Genomes Project 30x 0.00203; ESP Exome Variant Server 0.00477.
gnomAD v4.1: 10,776 of 1,613,962 alleles (0.67%); highest among the groups gnomAD compares: Non-Finnish European, 0.82%; 36 homozygotes.

Submissions (16):

CeGaT Center for Human Genetics Tuebingen
Classification: Benign. Last evaluated: 2026-09-01. Review status: criteria provided, single submitter. Criteria: CeGaT Center For Human Genetics Tuebingen Variant Classification Criteria Version 2. Collection method: clinical testing. Allele origin: germline. Affected: yes. Observed: 62 variant alleles.
Comment: CHD7: BP4, BP7, BS1, BS2

Labcorp Genetics (formerly Invitae), Labcorp
Classification: Benign for CHARGE syndrome. Last evaluated: 2026-02-01. Review status: criteria provided, single submitter. Criteria: Invitae Variant Classification Sherloc (09022015). Collection method: clinical testing. Allele origin: germline.

Blueprint Genetics
Classification: Likely benign. Last evaluated: 2024-11-27. Review status: criteria provided, single submitter. Criteria: ACMG Guidelines, 2015. Collection method: clinical testing. Allele origin: germline.

Fulgent Genetics
Classification: Likely benign for CHD7-related CHARGE syndrome; Hypogonadotropic hypogonadism 5 with or without anosmia. Last evaluated: 2021-07-26. Review status: criteria provided, single submitter. Criteria: ACMG Guidelines, 2015. Collection method: clinical testing. Allele origin: unknown.

Mayo Clinic Laboratories, Mayo Clinic
Classification: Benign. Last evaluated: 2021-05-05. Review status: criteria provided, single submitter. Criteria: ACMG Guidelines, 2015. Collection method: clinical testing. Allele origin: germline. Observed: 5 variant alleles.

Laboratory for Molecular Medicine, Mass General Brigham Personalized Medicine
Classification: Benign. Last evaluated: 2017-08-23. Review status: criteria provided, single submitter. Criteria: LMM Criteria. Collection method: clinical testing. Allele origin: germline. Observed: 4 variant alleles.
Comment: p.Gly2094Gly in exon 31 of CHD7: This variant is not expected to have clinical s ignificance because it does not alter an amino acid residue, is not located with in the splice consensus sequence, and has been identified in 0.65% (432/66718) o f European chromosomes by the Exome Aggregation Consortium (ExAC; dbSNP rs41312172).

Athena Diagnostics
Classification: Benign. Last evaluated: 2017-05-03. Review status: criteria provided, single submitter. Criteria: Athena Diagnostics Criteria. Collection method: clinical testing. Allele origin: germline.

Illumina Laboratory Services, Illumina
Classification: Likely benign for Kallmann Syndrome 5. Last evaluated: 2017-04-27. Review status: criteria provided, single submitter. Criteria: ICSL Variant Classification Criteria 13 December 2019. Collection method: clinical testing. Allele origin: germline.
Comment: This variant was observed as part of a predisposition screen in an ostensibly healthy population. A literature search was performed for the gene, cDNA change, and amino acid change (where applicable). No publications were found based on this search. Allele frequency data from public databases allowed determination this variant is unlikely to cause disease. Therefore, this variant is classified as likely benign.

Ambry Genetics
Classification: Likely benign for Inborn genetic diseases. Last evaluated: 2015-09-09. Review status: criteria provided, single submitter. Criteria: Ambry Variant Classification Scheme 2023. Collection method: clinical testing. Allele origin: germline.

GeneDx
Classification: Benign. Last evaluated: 2015-03-03. Review status: criteria provided, single submitter. Criteria: GeneDx Variant Classification Process June 2021. Collection method: clinical testing. Allele origin: germline. Affected: yes.

Eurofins Ntd Llc (ga)
Classification: Benign. Last evaluated: 2015-02-11. Review status: criteria provided, single submitter. Criteria: EGL Classification Definitions 2015. Collection method: clinical testing. Allele origin: germline. Observed: 3 variant alleles, 3 heterozygotes.

Genetic Services Laboratory, University of Chicago
Classification: Benign. Last evaluated: 2013-02-08. Review status: criteria provided, single submitter. Criteria: ACMG Guidelines, 2007. Collection method: clinical testing. Allele origin: germline. Inheritance: Autosomal dominant inheritance.

PreventionGenetics, part of Exact Sciences
Classification: Benign. Review status: criteria provided, single submitter. Criteria: ACMG Guidelines, 2015. Collection method: clinical testing. Allele origin: germline.

Clinical Genetics DNA and cytogenetics Diagnostics Lab, Erasmus MC, Erasmus Medical Center
Classification: Likely benign. Review status: no assertion criteria provided. Collection method: clinical testing. Allele origin: germline. Affected: yes. Study: VKGL Data-share Consensus. Not counted in ClinVar's aggregate classification.

Clinical Genetics, Academic Medical Center
Classification: Benign. Review status: no assertion criteria provided. Collection method: clinical testing. Allele origin: germline. Affected: yes. Study: VKGL Data-share Consensus. Not counted in ClinVar's aggregate classification.

Joint Genome Diagnostic Labs from Nijmegen and Maastricht, Radboudumc and MUMC+
Classification: Benign. Review status: no assertion criteria provided. Collection method: clinical testing. Allele origin: germline. Affected: yes. Study: VKGL Data-share Consensus. Not counted in ClinVar's aggregate classification.

Literature cited by the submitters: PubMed 21158681 (cited by Athena Diagnostics).

NM_017780.4(CHD7):c.6282A>G (p.Gly2094=)

Gene: CHD7 (chromodomain helicase DNA binding protein 7; plus strand). Cytogenetic location: 8q12.2.
Variant type: single nucleotide variant.
Coding change: c.6282A>G on transcript NM_017780.4 (MANE Select); coding-DNA position 6282, A replaced by G.
Protein change: p.Gly2094=; no amino-acid change (glycine 2094 retained).
Molecular consequence: synonymous variant. On other transcripts: intron variant (1).
Genome position (GRCh38, 1-based): chr8:60,853,007, A>G. VCF-style: chr8-60853007-A-G. GRCh37 (hg19) VCF-style: chr8-61765566-A-G.
Other names: p.Gly2094=; c.6282A>G, p.(=) (LRG_176t1); c.1717-9222A>G (NM_001316690.1).
Identifiers: ClinVar variation 95803 (VCV000095803.70), dbSNP rs41312172, ClinGen allele CA148876.